The following is an entry in ClinVar:

ClinVar aggregate classification (germline): Uncertain significance. Review status: criteria provided, multiple submitters, no conflicts (2 of 4 stars). 3 submissions from 3 submitters: Uncertain significance (2). 1 of the submissions does not count toward it. Last evaluated 2022-09-22.

Conditions:
MYH3-related disorder. Also called: MYH3-Related Disorders; MYH3-related condition. Identifiers: MedGen CN239329.

Allele frequency attached by ClinVar (database versions not stated): gnomAD exomes below 0.00001; TOPMed below 0.00001; ExAC 0.00001; gnomAD 0.00001; ESP Exome Variant Server 0.00008.
gnomAD v4.1: 5 of 1,613,980 alleles (0.00031%); highest among the groups gnomAD compares: Admixed American, 0.0017%; no homozygotes.

Submissions (3):

Labcorp Genetics (formerly Invitae), Labcorp
Classification: Uncertain significance. Last evaluated: 2022-09-22. Review status: criteria provided, single submitter. Criteria: Invitae Variant Classification Sherloc (09022015). Collection method: clinical testing. Allele origin: germline.
Comment: ClinVar contains an entry for this variant (Variation ID: 1683807). Algorithms developed to predict the effect of missense changes on protein structure and function (SIFT, PolyPhen-2, Align-GVGD) all suggest that this variant is likely to be disruptive. In summary, the available evidence is currently insufficient to determine the role of this variant in disease. Therefore, it has been classified as a Variant of Uncertain Significance. This variant has not been reported in the literature in individuals affected with MYH3-related conditions. This sequence change replaces proline, which is neutral and non-polar, with leucine, which is neutral and non-polar, at codon 133 of the MYH3 protein (p.Pro133Leu). This variant is present in population databases (rs368449050, gnomAD 0.0009%).

GeneDx
Classification: Uncertain significance. Last evaluated: 2022-04-22. Review status: criteria provided, single submitter. Criteria: GeneDx Variant Classification Process June 2021. Collection method: clinical testing. Allele origin: germline. Affected: yes.
Comment: Not observed at a significant frequency in large population cohorts (gnomAD); In silico analysis supports that this missense variant has a deleterious effect on protein structure/function; Has not been previously published as pathogenic or benign to our knowledge

PreventionGenetics, part of Exact Sciences
Classification: Uncertain significance for MYH3-related condition. Last evaluated: 2023-12-12. Review status: no assertion criteria provided. Collection method: clinical testing. Allele origin: germline. Not counted in ClinVar's aggregate classification.
Comment: The MYH3 c.398C>T variant is predicted to result in the amino acid substitution p.Pro133Leu. To our knowledge, this variant has not been reported in the literature. This variant is reported in 0.00088% of alleles in individuals of European (Non-Finnish) descent in gnomAD. At this time, the clinical significance of this variant is uncertain due to the absence of conclusive functional and genetic evidence.

NM_002470.4(MYH3):c.398C>T (p.Pro133Leu)

Gene: MYH3 (myosin heavy chain 3; minus strand). Cytogenetic location: 17p13.1.
Variant type: single nucleotide variant.
Coding change: c.398C>T on transcript NM_002470.4 (MANE Select); coding-DNA position 398, C replaced by T.
Protein change: p.Pro133Leu; replaces proline 133 with leucine.
Molecular consequence: missense variant.
Genome position (GRCh38, 1-based): chr17:10,651,619, G>A on the plus strand (C>T on the coding strand, the complement: MYH3 is on the minus strand). VCF-style: chr17-10651619-G-A. GRCh37 (hg19) VCF-style: chr17-10554936-G-A.
Other names: short protein forms P133L.
Identifiers: ClinVar variation 1683807 (VCV001683807.9), dbSNP rs368449050, ClinGen allele CA8393293.